The following is an entry in ClinVar:

ClinVar aggregate classification (germline): Uncertain significance (1 of 4 stars; one submission).

Conditions:
Autosomal dominant nonsyndromic hearing loss 1. Also called: DEAFNESS, AUTOSOMAL DOMINANT 1, WITH OR WITHOUT THROMBOCYTOPENIA; KONIGSMARK SYNDROME. Identifiers: Orphanet 90635, MedGen C1852282, MONDO:0007424, OMIM 124900.
Progressive microcephaly-seizures-cortical blindness-developmental delay syndrome. Also called: Seizures, cortical blindness, and microcephaly syndrome. Identifiers: Orphanet 477814, MedGen C5567650, MONDO:0014714, OMIM 616632.

gnomAD v4.1: 1 of 1,614,264 alleles (0.000062%); highest among the groups gnomAD compares: Non-Finnish European, 0.000085%; no homozygotes.

Submission:

Labcorp Genetics (formerly Invitae), Labcorp
Classification: Uncertain significance for Progressive microcephaly-seizures-cortical blindness-developmental delay syndrome; Autosomal dominant nonsyndromic hearing loss 1. Last evaluated: 2021-10-23. Review status: criteria provided, single submitter. Criteria: Invitae Variant Classification Sherloc (09022015). Collection method: clinical testing. Allele origin: germline.
Comment: This variant has not been reported in the literature in individuals affected with DIAPH1-related conditions. This sequence change replaces lysine, which is basic and polar, with arginine, which is basic and polar, at codon 954 of the DIAPH1 protein (p.Lys954Arg). This variant is not present in population databases (gnomAD no frequency). Algorithms developed to predict the effect of missense changes on protein structure and function are either unavailable or do not agree on the potential impact of this missense change (SIFT: "Tolerated"; PolyPhen-2: "Probably Damaging"; Align-GVGD: "Class C0"). In summary, the available evidence is currently insufficient to determine the role of this variant in disease. Therefore, it has been classified as a Variant of Uncertain Significance.

NM_005219.5(DIAPH1):c.2861A>G (p.Lys954Arg)

Gene: DIAPH1 (diaphanous related formin 1; minus strand). Cytogenetic location: 5q31.3.
Variant type: single nucleotide variant.
Coding change: c.2861A>G on transcript NM_005219.5 (MANE Select); coding-DNA position 2861, A replaced by G.
Protein change: p.Lys954Arg; replaces lysine 954 with arginine.
Molecular consequence: missense variant.
Genome position (GRCh38, 1-based): chr5:141,528,859, T>C on the plus strand (A>G on the coding strand, the complement: DIAPH1 is on the minus strand). VCF-style: chr5-141528859-T-C. GRCh37 (hg19) VCF-style: chr5-140908426-T-C.
Other names: c.2834A>G, p.Lys945Arg (NM_001079812.3); c.2861A>G, p.Lys954Arg (NM_001314007.2); short protein forms K954R, K945R.
Identifiers: ClinVar variation 1388846 (VCV001388846.6), dbSNP rs2154595007, ClinGen allele CA361584994.